The following is an entry in ClinVar:

ClinVar aggregate classification (germline): Pathogenic (1 of 4 stars; one submission).

Conditions:
Tuberous sclerosis 1 (TSC1). Identifiers: Orphanet 805, MedGen C1854465, MONDO:0008612, OMIM 191100.

Submission:

Labcorp Genetics (formerly Invitae), Labcorp
Classification: Pathogenic for Tuberous sclerosis 1. Last evaluated: 2024-07-25. Review status: criteria provided, single submitter. Criteria: Invitae Variant Classification Sherloc (09022015). Collection method: clinical testing. Allele origin: germline.
Comment: This sequence change creates a premature translational stop signal (p.Ser453Phefs*6) in the TSC1 gene. It is expected to result in an absent or disrupted protein product. Loss-of-function variants in TSC1 are known to be pathogenic (PMID: 10227394, 17304050). This variant is not present in population databases (gnomAD no frequency). This variant has not been reported in the literature in individuals affected with TSC1-related conditions. For these reasons, this variant has been classified as Pathogenic.

Literature cited by the submitters: PubMed 10227394; PubMed 17304050.

NM_000368.5(TSC1):c.1357dup (p.Ser453fs)

Gene: TSC1 (TSC complex subunit 1; minus strand). Cytogenetic location: 9q34.13.
Variant type: Duplication.
Coding change: c.1357dup on transcript NM_000368.5 (MANE Select); coding-DNA position 1357, one base duplicated (T; older notation c.1357dupT).
Protein change: p.Ser453fs; shifts the reading frame from serine 453.
Molecular consequence: frameshift variant. On other transcripts: non-coding transcript variant (5).
Genome position (GRCh38, 1-based): chr9:132,906,812, A duplicated on the plus strand (T on the coding strand, the reverse complement: TSC1 is on the minus strand); the first of 2 consecutive A bases (chr9:132,906,812-132,906,813); duplicating either gives the same sequence. VCF-style (leftmost placement, unchanged base first): chr9-132906811-G-GA. GRCh37 (hg19) VCF-style: chr9-135782198-G-GA.
Other names: c.1357dup, p.Ser453fs (NM_001406606.1, NM_001406607.1, NM_001406595.1 and 7 more transcripts); c.1354dup, p.Ser452fs (NM_001406608.1, NM_001406609.1, NM_001406597.1 and 6 more transcripts); c.1204dup, p.Ser402fs (NM_001406610.1, NM_001162427.2); c.1201dup, p.Ser401fs (NM_001406611.1, NM_001406612.1, NM_001406613.1); c.994dup, p.Ser332fs (NM_001362177.2, NM_001406614.1, NM_001406615.1 and 5 more transcripts); c.991dup, p.Ser331fs (NM_001406620.1, NM_001406621.1, NM_001406622.1 and 2 more transcripts); c.406dup, p.Ser136fs (NM_001406626.1); c.403dup, p.Ser135fs (NM_001406627.1, NM_001406628.1); and 1 more; short protein forms S102fs, S332fs, S453fs, S136fs, S402fs, S452fs, S135fs, S331fs.
Identifiers: ClinVar variation 3660581 (VCV003660581.2).